The following is an entry in ClinVar:

ClinVar aggregate classification (germline): Likely pathogenic (1 of 4 stars; one submission).

Conditions:
Premature chromatid separation trait (PCS). Also called: TOTAL PREMATURE CHROMATID SEPARATION TRAIT. Identifiers: MedGen C1864389, MONDO:0008304, OMIM 176430.

Allele frequency attached by ClinVar (database versions not stated): gnomAD exomes below 0.00001.
gnomAD v4.1: 1 of 1,614,016 alleles (0.000062%); highest among the groups gnomAD compares: Non-Finnish European, 0.000085%; no homozygotes.

Submission:

Baylor Genetics
Classification: Likely pathogenic for Premature chromatid separation trait. Last evaluated: 2020-02-23. Review status: criteria provided, single submitter. Criteria: ACMG Guidelines, 2015. Collection method: clinical testing. Allele origin: unknown. Affected: yes. Study: CSER-TexasKidsCanSeq.
Comment: This variant was determined to be likely pathogenic according to ACMG Guidelines, 2015 [PMID:25741868].

NM_001211.6(BUB1B):c.473G>A (p.Trp158Ter)

Gene: BUB1B (BUB1 mitotic checkpoint serine/threonine kinase B; plus strand). Cytogenetic location: 15q15.1.
Variant type: single nucleotide variant.
Coding change: c.473G>A on transcript NM_001211.6 (MANE Select); coding-DNA position 473, G replaced by A.
Protein change: p.Trp158Ter; replaces tryptophan 158 with a stop codon.
Molecular consequence: nonsense.
Genome position (GRCh38, 1-based): chr15:40,176,565, G>A. VCF-style: chr15-40176565-G-A. GRCh37 (hg19) VCF-style: chr15-40468766-G-A.
Other names: short protein forms W158*.
Identifiers: ClinVar variation 998296 (VCV000998296.1), dbSNP rs2037226022, ClinGen allele CA391681233.